The following is an entry in ClinVar:

ClinVar aggregate classification (germline): Likely pathogenic. Review status: criteria provided, multiple submitters, no conflicts (2 of 4 stars). 4 submissions from 4 submitters: Likely pathogenic (4). Last evaluated 2024-10-15.

Conditions:
Nemaline myopathy 2 (NEM2). Also called: Nemaline myopathy 2, autosomal recessive. Identifiers: MedGen C1850569, MONDO:0009725, OMIM 256030.
Nemaline myopathy. Also called: Myopathies, Nemaline. Identifiers: Orphanet 607, MedGen C0206157, MONDO:0018958.
Arthrogryposis multiplex congenita 6. Identifiers: MedGen C5543431, MONDO:0030281, OMIM 619334.

Allele frequency attached by ClinVar (database versions not stated): gnomAD exomes 0.00001.
gnomAD v4.1: 3 of 1,613,922 alleles (0.00019%); highest among the groups gnomAD compares: Non-Finnish European, 0.00025%; no homozygotes.

Submissions (4):

Natera, Inc.
Classification: Likely pathogenic for Nemaline myopathy type 2. Last evaluated: 2024-10-15. Review status: criteria provided, single submitter. Criteria: Natera Variant Classification Schema (03/2026). Collection method: clinical testing. Allele origin: germline.
Comment: The c.2079C>A variant in NEB is a nonsense variant predicted to introduce a stop codon at amino acid 693. This variant is expected to result in nonsense mediated decay, truncation, or a dysfunctional protein product. This variant is rare in the general population with a frequency below the threshold expected for the associated phenotype(s). Given the available evidence, this variant is classified as Likely Pathogenic.

Broad Center for Mendelian Genomics, Broad Institute of MIT and Harvard
Classification: Likely pathogenic for Nemaline myopathy 2. Last evaluated: 2024-08-28. Review status: criteria provided, single submitter. Criteria: ACMG Guidelines, 2015. Collection method: curation. Allele origin: germline. Inheritance: Autosomal recessive inheritance.
Comment: The heterozygous p.Cys693Ter variant in NEB was identified by our study, in the compound heterozygous state with a pathogenic variant (ClinVar Variation ID: 430110), in two affected siblings with nemaline myopathy 2. Familial exome analysis confirmed that this variant was in trans with a pathogenic variant (ClinVar Variation ID: 430110). The p.Cys693Ter variant in NEB has not been previously reported in individuals with nemaline myopathy. This variant was absent from large population studies. This nonsense variant leads to a premature termination codon at position 693, which is predicted to lead to a truncated or absent protein. Loss of function of the NEB gene is an established disease mechanism of autosomal recessive nemaline myopathy 2. In summary, although additional studies are required to fully establish its clinical significance, this variant is likely pathogenic for autosomal recessive nemaline myopathy 2. ACMG/AMP Criteria applied: PVS1, PM2_Supporting (Richards 2015).

Baylor Genetics
Classification: Likely pathogenic for Arthrogryposis multiplex congenita 6. Last evaluated: 2023-08-22. Review status: criteria provided, single submitter. Criteria: ACMG Guidelines, 2015. Collection method: clinical testing. Allele origin: unknown.

Women's Health and Genetics/Laboratory Corporation of America, LabCorp
Classification: Likely pathogenic for Nemaline myopathy. Last evaluated: 2022-12-01. Review status: criteria provided, single submitter. Criteria: LabCorp Variant Classification Summary - May 2015. Collection method: clinical testing. Allele origin: germline.
Comment: Variant summary: NEB c.2079C>A (p.Cys693X) results in a premature termination codon, predicted to cause a truncation of the encoded protein or absence of the protein due to nonsense mediated decay, which are commonly known mechanisms for disease. Truncations downstream of this position have been classified as pathogenic by our laboratory. The variant was absent in 249060 control chromosomes (gnomAD). To our knowledge, no occurrence of c.2079C>A in individuals affected with Nemaline Myopathy 2 and no experimental evidence demonstrating its impact on protein function have been reported. No clinical diagnostic laboratories have submitted clinical-significance assessments for this variant to ClinVar after 2014. Based on the evidence outlined above, the variant was classified as likely pathogenic.

NM_001164508.2(NEB):c.2079C>A (p.Cys693Ter)

Gene: NEB (nebulin; minus strand). Cytogenetic location: 2q23.3.
Variant type: single nucleotide variant.
Coding change: c.2079C>A on transcript NM_001164508.2 (MANE Select); coding-DNA position 2079, C replaced by A.
Protein change: p.Cys693Ter; replaces cysteine 693 with a stop codon.
Molecular consequence: nonsense.
Genome position (GRCh38, 1-based): chr2:151,692,086, G>T on the plus strand (C>A on the coding strand, the complement: NEB is on the minus strand). VCF-style: chr2-151692086-G-T. GRCh37 (hg19) VCF-style: chr2-152548600-G-T.
Other names: NM_001164508.2:c.2079C>A; c.2079C>A, p.Cys693Ter (NM_001164507.2, NM_001271208.2, NM_004543.5); short protein forms C693*.
Identifiers: ClinVar variation 1878214 (VCV001878214.6), dbSNP rs2552267817, ClinGen allele CA348823842.